The following is an entry in ClinVar:

ClinVar aggregate classification (germline): Uncertain significance (1 of 4 stars; one submission).

Conditions:
Hyperphosphatasia with impaired intellectual development syndrome 2. Also called: Hyperphosphatasia with intellectual disability syndrome 2; GLYCOSYLPHOSPHATIDYLINOSITOL BIOSYNTHESIS DEFECT 6. Identifiers: Orphanet 247262, MedGen C3553637, MONDO:0013882, OMIM 614749.

Allele frequency attached by ClinVar (database versions not stated): gnomAD exomes below 0.00001; TOPMed below 0.00001.
gnomAD v4.1: 4 of 1,614,244 alleles (0.00025%); highest among the groups gnomAD compares: Admixed American, 0.0017%; no homozygotes.

Submission:

Labcorp Genetics (formerly Invitae), Labcorp
Classification: Uncertain significance for Hyperphosphatasia with impaired intellectual development syndrome 2. Last evaluated: 2022-03-03. Review status: criteria provided, single submitter. Criteria: Invitae Variant Classification Sherloc (09022015). Collection method: clinical testing. Allele origin: germline.
Comment: ClinVar contains an entry for this variant (Variation ID: 953412). Algorithms developed to predict the effect of missense changes on protein structure and function (SIFT, PolyPhen-2, Align-GVGD) all suggest that this variant is likely to be tolerated. In summary, the available evidence is currently insufficient to determine the role of this variant in disease. Therefore, it has been classified as a Variant of Uncertain Significance. This variant has not been reported in the literature in individuals affected with PIGO-related conditions. This sequence change replaces glycine, which is neutral and non-polar, with glutamic acid, which is acidic and polar, at codon 502 of the PIGO protein (p.Gly502Glu). This variant is present in population databases (no rsID available, gnomAD 0.003%).

NM_032634.4(PIGO):c.1505G>A (p.Gly502Glu)

Gene: PIGO (phosphatidylinositol glycan anchor biosynthesis class O; minus strand). Cytogenetic location: 9p13.3.
Variant type: single nucleotide variant.
Coding change: c.1505G>A on transcript NM_032634.4 (MANE Select); coding-DNA position 1505, G replaced by A.
Protein change: p.Gly502Glu; replaces glycine 502 with glutamic acid.
Molecular consequence: missense variant. On other transcripts: intron variant (2).
Genome position (GRCh38, 1-based): chr9:35,092,382, C>T on the plus strand (G>A on the coding strand, the complement: PIGO is on the minus strand). VCF-style: chr9-35092382-C-T. GRCh37 (hg19) VCF-style: chr9-35092379-C-T.
Other names: c.1344+161G>A (NM_152850.4, NM_001201484.2); short protein forms G502E.
Identifiers: ClinVar variation 953412 (VCV000953412.9), dbSNP rs1486039779, ClinGen allele CA373321986.